The following is an entry in ClinVar:

NM_153240.5(NPHP3):c.2823C>T (p.Cys941=)

Genes: NPHP3 (nephrocystin 3; minus strand), NPHP3-ACAD11 (NPHP3-ACAD11 readthrough (NMD candidate); minus strand). Cytogenetic location: 3q22.1.
Variant type: single nucleotide variant.
Coding change: c.2823C>T on transcript NM_153240.5 (MANE Select); coding-DNA position 2823, C replaced by T.
Protein change: p.Cys941=; no amino-acid change (cysteine 941 retained).
Molecular consequence: synonymous variant. On other transcripts: non-coding transcript variant (1).
Genome position (GRCh38, 1-based): chr3:132,689,134, G>A on the plus strand (C>T on the coding strand, the complement: NPHP3 is on the minus strand). VCF-style: chr3-132689134-G-A. GRCh37 (hg19) VCF-style: chr3-132407978-G-A.
Other names: c.2823C>T (NM_153240.4).
Identifiers: ClinVar variation 1902252 (VCV001902252.6), dbSNP rs201918369, ClinGen allele CA2621918.
Genomic context (GRCh38, chr3:132,689,134, plus strand): 5'-CTGACTGAGAAGGCCTAGATCCTTGAGAAATCGCCCCAAGGTTTCATAAAGATCAGCTAA[G>A]CAACTCATGTTGTCCTCGCCTTCGCAGTTTTTCTCATACTGCTTCAATGAATCGAAGTAT-3'
Protein context (NP_694972.3, residues 931-951): KNCEGEDNMS[Cys941=]LADLYETLGR

ClinVar aggregate classification (germline): Likely benign. Review status: criteria provided, multiple submitters, no conflicts (2 of 4 stars). 2 submissions from 2 submitters: Likely benign (2). Last evaluated 2025-03-28.

Conditions:
NPHP3-related disorder. Also called: NPHP3-related condition; NPHP3-related disorders. Identifiers: MedGen CN379163.
Nephronophthisis. Also called: Juvenile Nephronophthisis. Identifiers: Orphanet 655, MedGen C0687120, MONDO:0019005, HP:0000090.

Allele frequency attached by ClinVar (database versions not stated): gnomAD exomes below 0.00001; TOPMed below 0.00001; ExAC 0.00001; gnomAD 0.00001; 1000 Genomes Project 30x 0.00016; 1000 Genomes Project 0.00020.
gnomAD v4.1: 6 of 1,614,142 alleles (0.00037%); highest among the groups gnomAD compares: Middle Eastern, 0.016%; no homozygotes.

Submissions (2):

PreventionGenetics, part of Exact Sciences
Classification: Likely benign for NPHP3-related condition. Last evaluated: 2025-03-28. Review status: criteria provided, single submitter. Criteria: ACMG Guidelines, 2015. Collection method: clinical testing. Allele origin: germline.
Comment: This variant is classified as likely benign based on ACMG/AMP sequence variant interpretation guidelines (Richards et al. 2015 PMID: 25741868, with internal and published modifications).

Labcorp Genetics (formerly Invitae), Labcorp
Classification: Likely benign for Nephronophthisis. Last evaluated: 2022-06-14. Review status: criteria provided, single submitter. Criteria: Invitae Variant Classification Sherloc (09022015). Collection method: clinical testing. Allele origin: germline.